The following is an entry in ClinVar:

NM_000257.4(MYH7):c.4057G>A (p.Ala1353Thr)

Gene: MYH7 (myosin heavy chain 7; minus strand). Cytogenetic location: 14q11.2.
Variant type: single nucleotide variant.
Coding change: c.4057G>A on transcript NM_000257.4 (MANE Select); coding-DNA position 4057, G replaced by A.
Protein change: p.Ala1353Thr; replaces alanine 1353 with threonine.
Molecular consequence: missense variant.
Genome position (GRCh38, 1-based): chr14:23,418,322, C>T on the plus strand (G>A on the coding strand, the complement: MYH7 is on the minus strand). VCF-style: chr14-23418322-C-T. GRCh37 (hg19) VCF-style: chr14-23887531-C-T.
Other names: c.4057G>A, p.Ala1353Thr (NM_001407004.1); short protein forms A1353T.
Identifiers: ClinVar variation 2164284 (VCV002164284.6), dbSNP rs1892314426, ClinGen allele CA389041074.

ClinVar aggregate classification (germline): Uncertain significance. Review status: criteria provided, multiple submitters, no conflicts (2 of 4 stars). 2 submissions from 2 submitters: Uncertain significance (2). Last evaluated 2023-10-05.

Conditions:
Hypertrophic cardiomyopathy. Also called: HYPERTROPHIC MYOCARDIOPATHY. Identifiers: Orphanet 217569, MedGen C0007194, MeSH D002312, MONDO:0005045, HP:0001639.
Cardiovascular phenotype. Identifiers: MedGen CN230736.

Submissions (2):

Labcorp Genetics (formerly Invitae), Labcorp
Classification: Uncertain significance for Hypertrophic cardiomyopathy. Last evaluated: 2023-10-05. Review status: criteria provided, single submitter. Criteria: Invitae Variant Classification Sherloc (09022015). Collection method: clinical testing. Allele origin: germline.
Comment: This sequence change replaces alanine, which is neutral and non-polar, with threonine, which is neutral and polar, at codon 1353 of the MYH7 protein (p.Ala1353Thr). This variant is not present in population databases (gnomAD no frequency). This variant has not been reported in the literature in individuals affected with MYH7-related conditions. ClinVar contains an entry for this variant (Variation ID: 2164284). Advanced modeling of protein sequence and biophysical properties (such as structural, functional, and spatial information, amino acid conservation, physicochemical variation, residue mobility, and thermodynamic stability) performed at Invitae indicates that this missense variant is expected to disrupt MYH7 protein function. In summary, the available evidence is currently insufficient to determine the role of this variant in disease. Therefore, it has been classified as a Variant of Uncertain Significance.

Ambry Genetics
Classification: Uncertain significance for Cardiovascular phenotype. Last evaluated: 2023-09-14. Review status: criteria provided, single submitter. Criteria: Ambry Variant Classification Scheme 2023. Collection method: clinical testing. Allele origin: germline.
Comment: The p.A1353T variant (also known as c.4057G>A), located in coding exon 28 of the MYH7 gene, results from a G to A substitution at nucleotide position 4057. The alanine at codon 1353 is replaced by threonine, an amino acid with similar properties. This amino acid position is highly conserved in available vertebrate species. In addition, the in silico prediction for this alteration is inconclusive. Since supporting evidence is limited at this time, the clinical significance of this alteration remains unclear.